The following is an entry in ClinVar:

ClinVar aggregate classification (germline): Uncertain significance. Review status: criteria provided, multiple submitters, no conflicts (2 of 4 stars). 2 submissions from 2 submitters: Uncertain significance (2). Last evaluated 2025-10-07.

Conditions:
Long QT syndrome (LQTS). Identifiers: MedGen C0023976, MeSH D008133, MONDO:0002442. Disease mechanism: loss of function. Inheritance: Various modes of inheritance.

Submissions (2):

GeneDx
Classification: Uncertain significance. Last evaluated: 2025-10-07. Review status: criteria provided, single submitter. Criteria: GeneDx Variant Classification Process June 2021. Collection method: clinical testing. Allele origin: germline. Affected: yes.
Comment: Not observed at significant frequency in large population cohorts (gnomAD); In silico analysis supports that this missense variant has a deleterious effect on protein structure/function; Has not been previously published as pathogenic or benign to our knowledge; This variant is associated with the following publications: (PMID: 39580446)

Labcorp Genetics (formerly Invitae), Labcorp
Classification: Uncertain significance for Long QT syndrome. Last evaluated: 2025-03-30. Review status: criteria provided, single submitter. Criteria: Invitae Variant Classification Sherloc (09022015). Collection method: clinical testing. Allele origin: germline.
Comment: This sequence change replaces glycine, which is neutral and non-polar, with arginine, which is basic and polar, at codon 705 of the CACNA1C protein (p.Gly705Arg). This variant is not present in population databases (gnomAD no frequency). This variant has not been reported in the literature in individuals affected with CACNA1C-related conditions. ClinVar contains an entry for this variant (Variation ID: 190648). Invitae Evidence Modeling of protein sequence and biophysical properties (such as structural, functional, and spatial information, amino acid conservation, physicochemical variation, residue mobility, and thermodynamic stability) indicates that this missense variant is expected to disrupt CACNA1C protein function with a positive predictive value of 95%. In summary, the available evidence is currently insufficient to determine the role of this variant in disease. Therefore, it has been classified as a Variant of Uncertain Significance.

NM_000719.7(CACNA1C):c.2113G>A (p.Gly705Arg)

Gene: CACNA1C (calcium voltage-gated channel subunit alpha1 C; plus strand). Cytogenetic location: 12p13.33.
Variant type: single nucleotide variant.
Coding change: c.2113G>A on transcript NM_000719.7 (MANE Select); coding-DNA position 2113, G replaced by A.
Protein change: p.Gly705Arg; replaces glycine 705 with arginine.
Molecular consequence: missense variant.
Genome position (GRCh38, 1-based): chr12:2,582,831, G>A. VCF-style: chr12-2582831-G-A. GRCh37 (hg19) VCF-style: chr12-2691997-G-A.
Other names: p.G705R:GGG>AGG; c.2113G>A, p.Gly705Arg (NM_001129827.2, NM_001129829.2, NM_001129830.3 and 18 more transcripts); c.2104G>A, p.Gly702Arg (NM_001129844.2); short protein forms G705R, G702R.
Identifiers: ClinVar variation 190648 (VCV000190648.5), dbSNP rs786205750, ClinGen allele CA301356.